The following is an entry in ClinVar:

ClinVar aggregate classification (germline): Benign. Review status: criteria provided, multiple submitters, no conflicts (2 of 4 stars). 4 submissions from 2 submitters: Benign (4). Last evaluated 2021-07-01.

Conditions:
Usher syndrome type 1 (USH1). Also called: RETINITIS PIGMENTOSA AND CONGENITAL DEAFNESS. Identifiers: Orphanet 231169, Orphanet 886, MedGen C1568247, MONDO:0010168, OMIM 276900.
Autosomal dominant nonsyndromic hearing loss 11. Identifiers: Orphanet 90635, MedGen C1832475, MONDO:0011032, OMIM 601317.
Autosomal recessive nonsyndromic hearing loss 2. Also called: DEAFNESS, AUTOSOMAL RECESSIVE 2; NEUROSENSORY NONSYNDROMIC RECESSIVE DEAFNESS 2. Identifiers: Orphanet 90636, MedGen C1838701, MONDO:0010807, OMIM 600060.

Allele frequency attached by ClinVar (database versions not stated): 1000 Genomes Project 0.54932; 1000 Genomes Project 30x 0.55340; gnomAD 0.58253 and 0.59230; TOPMed 0.59216.
gnomAD v4.1: 88,130 of 151,452 alleles (58%); highest among the groups gnomAD compares: African/African-American, 68%; 26,047 homozygotes.

Submissions (4):

Genome-Nilou Lab
Classification: Benign for Autosomal dominant nonsyndromic hearing loss 11. Last evaluated: 2021-07-01. Review status: criteria provided, single submitter. Criteria: ACMG Guidelines, 2015. Collection method: clinical testing. Allele origin: germline. Affected: no.

Genome-Nilou Lab
Classification: Benign for Autosomal recessive nonsyndromic hearing loss 2. Last evaluated: 2021-07-01. Review status: criteria provided, single submitter. Criteria: ACMG Guidelines, 2015. Collection method: clinical testing. Allele origin: germline. Affected: no.

Genome-Nilou Lab
Classification: Benign for Usher syndrome type 1. Last evaluated: 2021-07-01. Review status: criteria provided, single submitter. Criteria: ACMG Guidelines, 2015. Collection method: clinical testing. Allele origin: germline. Affected: no.

GeneDx
Classification: Benign. Last evaluated: 2018-06-14. Review status: criteria provided, single submitter. Criteria: GeneDx Variant Classification (06012015). Collection method: clinical testing. Allele origin: germline. Affected: yes.
Comment: This variant is considered likely benign or benign based on one or more of the following criteria: it is a conservative change, it occurs at a poorly conserved position in the protein, it is predicted to be benign by multiple in silico algorithms, and/or has population frequency not consistent with disease.

NM_000260.4(MYO7A):c.4324-202A>G

Gene: MYO7A (myosin VIIA; plus strand). Cytogenetic location: 11q13.5.
Variant type: single nucleotide variant.
Coding change: c.4324-202A>G on transcript NM_000260.4 (MANE Select); 202 bases into the intron before coding-DNA position 4324, A replaced by G.
Molecular consequence: intron variant.
Genome position (GRCh38, 1-based): chr11:77,197,279, A>G. VCF-style: chr11-77197279-A-G. GRCh37 (hg19) VCF-style: chr11-76908324-A-G.
Other names: c.4291-202A>G (NM_001369365.1); c.4324-202A>G (NM_001127180.2).
Identifiers: ClinVar variation 673901 (VCV000673901.4), dbSNP rs12421897, ClinGen allele CA13561157.
Genomic context (GRCh38, chr11:77,197,279, plus strand): 5'-CCCTGGAGGGGCAGCTATGCTTTCTCTGACTTTGGGCCCCAGCACCTGCATAGAGCTGGC[A>G]CTCAAAAGTGCTCGCCGATGTTGACGAATGAGAAAGGTGGGGACAGGGTGGCTGCAGACA-3'